The following is an entry in ClinVar:

NM_000350.3(ABCA4):c.209T>C (p.Leu70Pro)

Gene: ABCA4 (ATP binding cassette subfamily A member 4; minus strand). Cytogenetic location: 1p22.1.
Variant type: single nucleotide variant.
Coding change: c.209T>C on transcript NM_000350.3 (MANE Select); coding-DNA position 209, T replaced by C.
Protein change: p.Leu70Pro; replaces leucine 70 with proline.
Molecular consequence: missense variant.
Genome position (GRCh38, 1-based): chr1:94,111,531, A>G on the plus strand (T>C on the coding strand, the complement: ABCA4 is on the minus strand). VCF-style: chr1-94111531-A-G. GRCh37 (hg19) VCF-style: chr1-94577087-A-G.
Other names: c.209T>C, p.Leu70Pro (NM_001425324.1); short protein forms L70P.
Identifiers: ClinVar variation 1503537 (VCV001503537.6), dbSNP rs2101162564, ClinGen allele CA341285546.
Genomic context (GRCh38, chr1:94,111,531, plus strand): 5'-GATTCTCCTGGGGTGGGGCTTTGAAAACAGGGATTGTTCACATTGCAGAAGATCCCCTGG[A>G]GCCACGGCAGCATTCCTGCTGAGGGCATCGCCTTGTTGGGGAAATGGCCTTTAAAACAGA-3'
Protein context (NP_000341.2, residues 60-80): AMPSAGMLPW[Leu70Pro]QGIFCNVNNP

ClinVar aggregate classification (germline): Likely pathogenic (1 of 4 stars; one submission).

Submission:

Labcorp Genetics (formerly Invitae), Labcorp
Classification: Likely pathogenic. Last evaluated: 2024-02-24. Review status: criteria provided, single submitter. Criteria: Invitae Variant Classification Sherloc (09022015). Collection method: clinical testing. Allele origin: germline.
Comment: This sequence change replaces leucine, which is neutral and non-polar, with proline, which is neutral and non-polar, at codon 70 of the ABCA4 protein (p.Leu70Pro). This variant is not present in population databases (gnomAD no frequency). This missense change has been observed in individual(s) with Stargardt disease (Invitae). ClinVar contains an entry for this variant (Variation ID: 1503537). Advanced modeling of protein sequence and biophysical properties (such as structural, functional, and spatial information, amino acid conservation, physicochemical variation, residue mobility, and thermodynamic stability) performed at Invitae indicates that this missense variant is expected to disrupt ABCA4 protein function with a positive predictive value of 95%. In summary, the currently available evidence indicates that the variant is pathogenic, but additional data are needed to prove that conclusively. Therefore, this variant has been classified as Likely Pathogenic.